The following is an entry in ClinVar:

ClinVar aggregate classification (germline): Conflicting classifications of pathogenicity. Review status: criteria provided, conflicting classifications (1 of 4 stars). 11 submissions from 10 submitters: Uncertain significance (7); Benign (1); Likely benign (2). 1 of the submissions does not count toward it. Last evaluated 2026-06-01.

Conditions:
SYNE1-related disorder. Also called: SYNE1-related disorders; SYNE1-related disease; SYNE1-related condition.
Autosomal recessive ataxia, Beauce type. Also called: SYNE1-Related Autosomal Recessive Cerebellar Ataxia; ATAXIA, RECESSIVE, OF BEAUCE; SYNE1 Deficiency; Spinocerebellar ataxia, autosomal recessive 8. Identifiers: Orphanet 88644, MedGen C1853116, MONDO:0012549, OMIM 610743.
Emery-Dreifuss muscular dystrophy 4, autosomal dominant (EDMD4). Also called: EMERY-DREIFUSS MUSCULAR DYSTROPHY 4 WITH VARIABLE FEATURES. Identifiers: Orphanet 261, MedGen C2751807, MONDO:0013071, OMIM 612998.

Allele frequency attached by ClinVar (database versions not stated): gnomAD 0.00054 and 0.00056; TOPMed 0.00067; gnomAD exomes 0.00074; ExAC 0.00077; ESP Exome Variant Server 0.00085.
gnomAD v4.1: 1,526 of 1,614,152 alleles (0.095%); highest among the groups gnomAD compares: Non-Finnish European, 0.11%; no homozygotes.

Submissions (11):

CeGaT Center for Human Genetics Tuebingen
Classification: Likely benign. Last evaluated: 2026-06-01. Review status: criteria provided, single submitter. Criteria: CeGaT Center For Human Genetics Tuebingen Variant Classification Criteria Version 2. Collection method: clinical testing. Allele origin: germline. Affected: yes. Observed: 15 variant alleles.
Comment: SYNE1: BP4

GeneDx
Classification: Uncertain significance. Last evaluated: 2025-08-19. Review status: criteria provided, single submitter. Criteria: GeneDx Variant Classification Process June 2021. Collection method: clinical testing. Allele origin: germline. Affected: yes.
Comment: Reported previously in the heterozygous state in a patient with hypertrophic cardiomyopathy; however, additional information was not provided (PMID: 28750076); Reported previously in the heterozygous state in an individual tested as part of a sudden infant death syndrome cohort; however, additional clinical information was not provided (PMID: 28074886); Reported previously in an individual with cerebellar syndrome and CPEO who also harbored a second variant in SYNE1 (phase unknown) (PMID: 29625556); In silico analysis suggests that this missense variant does not alter protein structure/function; This variant is associated with the following publications: (PMID: 28750076, 28074886, 29625556)

Blueprint Genetics
Classification: Uncertain significance. Last evaluated: 2024-11-23. Review status: criteria provided, single submitter. Criteria: ACMG Guidelines, 2015. Collection method: clinical testing. Allele origin: germline.

Labcorp Genetics (formerly Invitae), Labcorp
Classification: Uncertain significance for Emery-Dreifuss muscular dystrophy 4, autosomal dominant; Autosomal recessive ataxia, Beauce type. Last evaluated: 2022-10-17. Review status: criteria provided, single submitter. Criteria: Invitae Variant Classification Sherloc (09022015). Collection method: clinical testing. Allele origin: germline.
Comment: This sequence change replaces valine, which is neutral and non-polar, with isoleucine, which is neutral and non-polar, at codon 5042 of the SYNE1 protein (p.Val5042Ile). This variant is present in population databases (rs139170018, gnomAD 0.1%), and has an allele count higher than expected for a pathogenic variant. This missense change has been observed in individual(s) with hypertrophic cardiomyopathy and sudden infant death syndrome (PMID: 28074886, 28750076). ClinVar contains an entry for this variant (Variation ID: 198681). Algorithms developed to predict the effect of missense changes on protein structure and function are either unavailable or do not agree on the potential impact of this missense change (SIFT: "Deleterious"; PolyPhen-2: "Benign"; Align-GVGD: "Class C25"). In summary, the available evidence is currently insufficient to determine the role of this variant in disease. Therefore, it has been classified as a Variant of Uncertain Significance.

Athena Diagnostics
Classification: Likely benign. Last evaluated: 2020-03-25. Review status: criteria provided, single submitter. Criteria: Athena Diagnostics Criteria. Collection method: clinical testing. Allele origin: unknown.

CENTOGENE GmbH and LLC - Guiding Precision Medicine
Classification: Uncertain significance for Autosomal recessive ataxia, Beauce type. Last evaluated: 2019-07-23. Review status: criteria provided, single submitter. Criteria: ACMG Guidelines, 2015. Collection method: clinical testing. Allele origin: germline.

Illumina Laboratory Services, Illumina
Classification: Benign for Emery-Dreifuss muscular dystrophy 4, autosomal dominant. Last evaluated: 2018-01-13. Review status: criteria provided, single submitter. Criteria: ICSL Variant Classification Criteria 13 December 2019. Collection method: clinical testing. Allele origin: germline.
Comment: This variant was observed in the ICSL laboratory as part of a predisposition screen in an ostensibly healthy population. It had not been previously curated by ICSL or reported in the Human Gene Mutation Database (HGMD: prior to June 1st, 2018), and was therefore a candidate for classification through an automated scoring system. Utilizing variant allele frequency, disease prevalence and penetrance estimates, and inheritance mode, an automated score was calculated to assess if this variant is too frequent to cause the disease. Based on the score and internal cut-off values, a variant classified as benign is not then subjected to further curation. The score for this variant resulted in a classification of benign for this disease.

Illumina Laboratory Services, Illumina
Classification: Uncertain significance for Autosomal recessive ataxia, Beauce type. Last evaluated: 2018-01-13. Review status: criteria provided, single submitter. Criteria: ICSL Variant Classification Criteria 13 December 2019. Collection method: clinical testing. Allele origin: germline.

Eurofins Ntd Llc (ga)
Classification: Uncertain significance. Last evaluated: 2017-06-09. Review status: criteria provided, single submitter. Criteria: EGL Classification Definitions 2015. Collection method: clinical testing. Allele origin: germline. Observed: 8 variant alleles, 8 heterozygotes.

Genetic Services Laboratory, University of Chicago
Classification: Uncertain significance. Last evaluated: 2014-06-27. Review status: criteria provided, single submitter. Criteria: ACMG Guidelines, 2015. Collection method: clinical testing. Allele origin: germline.

PreventionGenetics, part of Exact Sciences
Classification: Uncertain significance for SYNE1-related condition. Last evaluated: 2024-05-22. Review status: no assertion criteria provided. Collection method: clinical testing. Allele origin: germline. Not counted in ClinVar's aggregate classification.
Comment: The SYNE1 c.15124G>A variant is predicted to result in the amino acid substitution p.Val5042Ile. This variant has been observed in an infant with sudden infant death syndrome as a variant of uncertain significance and in a patient with hypertrophic cardiomyopathy (Supp. Table 4 in Neubauer et al. 2017. PubMed ID: 28074886; Reported as c.15337G>A, p.Val5113Ile with NM_182961.3 Supp. Table 5 in Forleo et al. 2017. PubMed ID: 28750076). This variant has also been reported in the compound heterozygous state in a patient with a cerebellar syndrome (reported as c.15337G>A, p.Val5113Ile with NM_182961.3 in Plutino et al. 2018. PubMed ID: 29625556). This variant is reported in 0.12% of alleles in individuals of European (Non-Finnish) descent in gnomAD, which may be too common to be a primary cause of disease. Although we suspect that this variant may be benign, at this time, the clinical significance of this variant is uncertain due to the absence of conclusive functional and genetic evidence.

Literature cited by the submitters: PubMed 28074886 (cited by Labcorp Genetics (formerly Invitae), Labcorp and Athena Diagnostics); PubMed 28750076 (cited by Labcorp Genetics (formerly Invitae), Labcorp); PubMed 29625556 (cited by Athena Diagnostics).

NM_182961.4(SYNE1):c.15337G>A (p.Val5113Ile)

Gene: SYNE1 (spectrin repeat containing nuclear envelope protein 1; minus strand). Cytogenetic location: 6q25.2.
Variant type: single nucleotide variant.
Coding change: c.15337G>A on transcript NM_182961.4 (MANE Select); coding-DNA position 15337, G replaced by A.
Protein change: p.Val5113Ile; replaces valine 5113 with isoleucine.
Molecular consequence: missense variant.
Genome position (GRCh38, 1-based): chr6:152,326,059, C>T on the plus strand (G>A on the coding strand, the complement: SYNE1 is on the minus strand). VCF-style: chr6-152326059-C-T. GRCh37 (hg19) VCF-style: chr6-152647194-C-T.
Other names: c.15337G>A (NM_182961.3); c.15124G>A, p.Val5042Ile (NM_033071.5); short protein forms V5042I, V5113I.
Identifiers: ClinVar variation 198681 (VCV000198681.71), dbSNP rs139170018, ClinGen allele CA209917.